The following is an entry in ClinVar:

NM_001903.5(CTNNA1):c.1396A>G (p.Asn466Asp)

Gene: CTNNA1 (catenin alpha 1; plus strand). Cytogenetic location: 5q31.2.
Variant type: single nucleotide variant.
Coding change: c.1396A>G on transcript NM_001903.5 (MANE Select); coding-DNA position 1396, A replaced by G.
Protein change: p.Asn466Asp; replaces asparagine 466 with aspartic acid.
Molecular consequence: missense variant. On other transcripts: 5 prime UTR variant (5).
Genome position (GRCh38, 1-based): chr5:138,917,748, A>G. VCF-style: chr5-138917748-A-G. GRCh37 (hg19) VCF-style: chr5-138253437-A-G.
Other names: c.1396A>G, p.Asn466Asp (NM_001290307.3, NM_001323982.2, NM_001323983.1 and 2 more transcripts); c.1087A>G, p.Asn363Asp (NM_001290309.3); c.1027A>G, p.Asn343Asp (NM_001290310.3); c.286A>G, p.Asn96Asp (NM_001290312.1, NM_001323987.1, NM_001323988.1 and 17 more transcripts); c.1303A>G, p.Asn435Asp (NM_001323986.2); c.-54A>G (NM_001324006.1, NM_001324007.1, NM_001324008.1 and 2 more transcripts); c.193A>G, p.Asn65Asp (NM_001324011.1); c.43A>G, p.Asn15Asp (NM_001324012.1, NM_001324013.1); short protein forms N343D, N466D, N15D, N65D, N96D, N363D, N435D.
Identifiers: ClinVar variation 658543 (VCV000658543.15), dbSNP rs764267687, ClinGen allele CA3431952.

ClinVar aggregate classification (germline): Uncertain significance. Review status: criteria provided, multiple submitters, no conflicts (2 of 4 stars). 4 submissions from 4 submitters: Uncertain significance (4). Last evaluated 2025-12-14.

Conditions:
Hereditary cancer-predisposing syndrome. Also called: Neoplastic Syndromes, Hereditary; Hereditary Cancer Syndrome; Tumor predisposition; Hereditary neoplastic syndrome. Identifiers: Orphanet 140162, MedGen C0027672, MeSH D009386, MONDO:0015356.
Patterned macular dystrophy 2. Identifiers: Orphanet 99001, MedGen C1837029, MONDO:0012162, OMIM 608970.

Allele frequency attached by ClinVar (database versions not stated): gnomAD exomes below 0.00001; ExAC 0.00001; gnomAD 0.00001; TOPMed 0.00001.
gnomAD v4.1: 1 of 1,613,846 alleles (0.000062%); highest among the groups gnomAD compares: African/African-American, 0.0013%; no homozygotes.

Submissions (4):

Labcorp Genetics (formerly Invitae), Labcorp
Classification: Uncertain significance. Last evaluated: 2025-12-14. Review status: criteria provided, single submitter. Criteria: Invitae Variant Classification Sherloc (09022015). Collection method: clinical testing. Allele origin: germline.
Comment: This sequence change replaces asparagine, which is neutral and polar, with aspartic acid, which is acidic and polar, at codon 466 of the CTNNA1 protein (p.Asn466Asp). This variant is present in population databases (rs764267687, gnomAD 0.007%). This variant has not been reported in the literature in individuals affected with CTNNA1-related conditions. ClinVar contains an entry for this variant (Variation ID: 658543). Invitae Evidence Modeling of protein sequence and biophysical properties (such as structural, functional, and spatial information, amino acid conservation, physicochemical variation, residue mobility, and thermodynamic stability) indicates that this missense variant is expected to disrupt CTNNA1 protein function with a positive predictive value of 80%. In summary, the available evidence is currently insufficient to determine the role of this variant in disease. Therefore, it has been classified as a Variant of Uncertain Significance.

Ambry Genetics
Classification: Uncertain significance for Hereditary cancer-predisposing syndrome. Last evaluated: 2024-07-04. Review status: criteria provided, single submitter. Criteria: Ambry Variant Classification Scheme 2023. Collection method: clinical testing. Allele origin: germline.
Comment: The p.N466D variant (also known as c.1396A>G), located in coding exon 10 of the CTNNA1 gene, results from an A to G substitution at nucleotide position 1396. The asparagine at codon 466 is replaced by aspartic acid, an amino acid with highly similar properties. In one study, this alteration was identified in 2/151,425 individuals who underwent multi-gene germline genetic testing and classified as a variant of uncertain significance by the authors (Clark DF et al. Genet Med, 2020 05;22:840-846). This amino acid position is highly conserved in available vertebrate species. In addition, this alteration is predicted to be tolerated by in silico analysis. The evidence for this gene-disease relationship is limited; therefore, the clinical significance of this alteration is unclear.

Baylor Genetics
Classification: Uncertain significance for Patterned macular dystrophy 2. Last evaluated: 2023-11-26. Review status: criteria provided, single submitter. Criteria: ACMG Guidelines, 2015. Collection method: clinical testing. Allele origin: unknown.

Blueprint Genetics
Classification: Uncertain significance. Last evaluated: 2019-10-30. Review status: criteria provided, single submitter. Criteria: ACMG Guidelines, 2015. Collection method: clinical testing. Allele origin: germline.

Literature cited by the submitters: PubMed 32051609 (cited by Ambry Genetics).